The following is an entry in ClinVar:

ClinVar aggregate classification (germline): Uncertain significance (1 of 4 stars; one submission).

Submission:

Labcorp Genetics (formerly Invitae), Labcorp
Classification: Uncertain significance. Last evaluated: 2022-08-02. Review status: criteria provided, single submitter. Criteria: Invitae Variant Classification Sherloc (09022015). Collection method: clinical testing. Allele origin: germline.
Comment: In summary, the available evidence is currently insufficient to determine the role of this variant in disease. Therefore, it has been classified as a Variant of Uncertain Significance. Algorithms developed to predict the effect of missense changes on protein structure and function are either unavailable or do not agree on the potential impact of this missense change (SIFT: "Tolerated"; PolyPhen-2: "Probably Damaging"; Align-GVGD: "Class C0"). This variant has not been reported in the literature in individuals affected with BPTF-related conditions. This variant is not present in population databases (gnomAD no frequency). This sequence change replaces methionine, which is neutral and non-polar, with valine, which is neutral and non-polar, at codon 2853 of the BPTF protein (p.Met2853Val).

NM_182641.4(BPTF):c.8608A>G (p.Met2870Val)

Gene: BPTF (bromodomain PHD finger transcription factor; plus strand). Cytogenetic location: 17q24.2.
Variant type: single nucleotide variant.
Coding change: c.8608A>G on transcript NM_182641.4 (MANE Select); coding-DNA position 8608, A replaced by G.
Protein change: p.Met2870Val; replaces methionine 2870 with valine.
Molecular consequence: missense variant.
Genome position (GRCh38, 1-based): chr17:67,975,840, A>G. VCF-style: chr17-67975840-A-G. GRCh37 (hg19) VCF-style: chr17-65971956-A-G.
Other names: c.8557A>G, p.Met2853Val (NM_004459.7); short protein forms M2870V, M2853V.
Identifiers: ClinVar variation 2034870 (VCV002034870.4), dbSNP rs2513701109, ClinGen allele CA400733615.